The following is an entry in ClinVar:

NM_014804.3(KIAA0753):c.385T>C (p.Ser129Pro)

Gene: KIAA0753 (KIAA0753; minus strand). Cytogenetic location: 17p13.1.
Variant type: single nucleotide variant.
Coding change: c.385T>C on transcript NM_014804.3 (MANE Select); coding-DNA position 385, T replaced by C.
Protein change: p.Ser129Pro; replaces serine 129 with proline.
Molecular consequence: missense variant. On other transcripts: 5 prime UTR variant (1), non-coding transcript variant (3).
Genome position (GRCh38, 1-based): chr17:6,628,450, A>G on the plus strand (T>C on the coding strand, the complement: KIAA0753 is on the minus strand). VCF-style: chr17-6628450-A-G. GRCh37 (hg19) VCF-style: chr17-6531770-A-G.
Other names: c.-850T>C (NM_001351225.2); short protein forms S129P.
Identifiers: ClinVar variation 1508813 (VCV001508813.6), dbSNP rs1161557672, ClinGen allele CA397415017.

ClinVar aggregate classification (germline): Uncertain significance (1 of 4 stars; one submission).

Allele frequency attached by ClinVar (database versions not stated): gnomAD exomes below 0.00001; TOPMed below 0.00001.
gnomAD v4.1: 2 of 1,614,130 alleles (0.00012%); highest among the groups gnomAD compares: Non-Finnish European, 0.00017%; no homozygotes.

Submission:

Labcorp Genetics (formerly Invitae), Labcorp
Classification: Uncertain significance. Last evaluated: 2024-09-23. Review status: criteria provided, single submitter. Criteria: Invitae Variant Classification Sherloc (09022015). Collection method: clinical testing. Allele origin: germline.
Comment: This sequence change replaces serine, which is neutral and polar, with proline, which is neutral and non-polar, at codon 129 of the KIAA0753 protein (p.Ser129Pro). This variant is not present in population databases (gnomAD no frequency). This variant has not been reported in the literature in individuals affected with KIAA0753-related conditions. ClinVar contains an entry for this variant (Variation ID: 1508813). An algorithm developed to predict the effect of missense changes on protein structure and function outputs the following: PolyPhen-2: "Benign". The proline amino acid residue is found in multiple mammalian species, which suggests that this missense change does not adversely affect protein function. In summary, the available evidence is currently insufficient to determine the role of this variant in disease. Therefore, it has been classified as a Variant of Uncertain Significance.